The following is an entry in ClinVar:

ClinVar aggregate classification (germline): Uncertain significance (1 of 4 stars; one submission).

Submission:

Labcorp Genetics (formerly Invitae), Labcorp
Classification: Uncertain significance. Last evaluated: 2022-05-30. Review status: criteria provided, single submitter. Criteria: Invitae Variant Classification Sherloc (09022015). Collection method: clinical testing. Allele origin: germline.
Comment: This sequence change replaces alanine, which is neutral and non-polar, with threonine, which is neutral and polar, at codon 131 of the SERPINF1 protein (p.Ala131Thr). Information on the frequency of this variant in the gnomAD database is not available, as this variant may be reported differently in the database. This variant has not been reported in the literature in individuals affected with SERPINF1-related conditions. Experimental studies and prediction algorithms are not available or were not evaluated, and the functional significance of this variant is currently unknown. In summary, the available evidence is currently insufficient to determine the role of this variant in disease. Therefore, it has been classified as a Variant of Uncertain Significance.

NM_002615.7(SERPINF1):c.390_391inv (p.Ala131Thr)

Gene: SERPINF1 (serpin family F member 1; plus strand). Cytogenetic location: 17p13.3.
Variant type: Inversion.
Coding change: c.390_391inv on transcript NM_002615.7 (MANE Select).
Protein change: p.Ala131Thr; replaces alanine 131 with threonine.
Molecular consequence: missense variant. On other transcripts: 5 prime UTR variant (1).
Genome position: GRCh38 VCF-style: chr17-1771135-TG-CA. GRCh37 (hg19) VCF-style: chr17-1674429-TG-CA.
Other names: c.390_391inv, p.Ala131Thr (NM_001329903.2); c.-172_-171inv (NM_001329904.2); short protein forms A131T.
Identifiers: ClinVar variation 1898784 (VCV001898784.2), ClinGen allele CA2580092468.
Genomic context (GRCh38, chr17:1,771,135, plus strand): 5'-TGACTTGATCAGCAGCCCAGACATCCATGGTACCTATAAGGAGCTCCTTGACACGGTCAC[TG>CA]CCCCCCAGAAGAACCTCAAGAGTGCCTCCCGGATCGTCTTTGAGAAGAGTGAGTCGCCTT-3'
Protein context (NP_002606.3, residues 121-141): TYKELLDTVT[Ala131Thr]PQKNLKSASR